The following is an entry in ClinVar:

NM_000153.4(GALC):c.370A>G (p.Asn124Asp)

Gene: GALC (galactosylceramidase; minus strand). Cytogenetic location: 14q31.3.
Variant type: single nucleotide variant.
Coding change: c.370A>G on transcript NM_000153.4 (MANE Select); coding-DNA position 370, A replaced by G.
Protein change: p.Asn124Asp; replaces asparagine 124 with aspartic acid.
Molecular consequence: missense variant.
Genome position (GRCh38, 1-based): chr14:87,986,561, T>C on the plus strand (A>G on the coding strand, the complement: GALC is on the minus strand). VCF-style: chr14-87986561-T-C. GRCh37 (hg19) VCF-style: chr14-88452905-T-C.
Other names: c.301A>G, p.Asn101Asp (NM_001201401.2); c.292A>G, p.Asn98Asp (NM_001201402.2); short protein forms N101D, N98D, N124D.
Identifiers: ClinVar variation 2119327 (VCV002119327.4), dbSNP rs2503519270, ClinGen allele CA390752655.

ClinVar aggregate classification (germline): Uncertain significance (1 of 4 stars; one submission).

Conditions:
Galactosylceramide beta-galactosidase deficiency. Also called: GALACTOCEREBROSIDASE DEFICIENCY; GALC DEFICIENCY; GLOBOID CELL LEUKOENCEPHALOPATHY; Krabbe Disease; Leukodystrophy, Globoid Cell. Identifiers: Orphanet 487, MedGen C0023521, MONDO:0009499, OMIM 245200.

Submission:

Labcorp Genetics (formerly Invitae), Labcorp
Classification: Uncertain significance for Galactosylceramide beta-galactosidase deficiency. Last evaluated: 2023-12-07. Review status: criteria provided, single submitter. Criteria: Invitae Variant Classification Sherloc (09022015). Collection method: clinical testing. Allele origin: germline.
Comment: This sequence change replaces asparagine, which is neutral and polar, with aspartic acid, which is acidic and polar, at codon 124 of the GALC protein (p.Asn124Asp). This variant is not present in population databases (gnomAD no frequency). This variant has not been reported in the literature in individuals affected with GALC-related conditions. ClinVar contains an entry for this variant (Variation ID: 2119327). Algorithms developed to predict the effect of missense changes on protein structure and function output the following: SIFT: "Not Available"; PolyPhen-2: "Benign"; Align-GVGD: "Not Available". The aspartic acid amino acid residue is found in multiple mammalian species, which suggests that this missense change does not adversely affect protein function. In summary, the available evidence is currently insufficient to determine the role of this variant in disease. Therefore, it has been classified as a Variant of Uncertain Significance.